The following is an entry in ClinVar:

ClinVar aggregate classification (germline): Pathogenic. Review status: criteria provided, multiple submitters, no conflicts (2 of 4 stars). 3 submissions from 3 submitters: Pathogenic (2). 1 of the submissions does not count toward it. Last evaluated 2024-12-12.

Conditions:
Tuberous sclerosis syndrome (TSC). Also called: Tuberous Sclerosis Complex; Tuberous sclerosis. Identifiers: Orphanet 805, MedGen C0041341, MONDO:0001734.
Tuberous sclerosis 2 (TSC2). Identifiers: Orphanet 805, MedGen C1860707, MONDO:0013199, OMIM 613254.

Submissions (3):

GeneDx
Classification: Pathogenic. Last evaluated: 2024-12-12. Review status: criteria provided, single submitter. Criteria: GeneDx Variant Classification Process June 2021. Collection method: clinical testing. Allele origin: germline. Affected: yes.
Comment: Nonsense variant predicted to result in protein truncation or nonsense mediated decay in a gene for which loss of function is a known mechanism of disease; Not observed at significant frequency in large population cohorts (gnomAD); This variant is associated with the following publications: (PMID: 25525159, 15595939)

Labcorp Genetics (formerly Invitae), Labcorp
Classification: Pathogenic for Tuberous sclerosis 2. Last evaluated: 2022-12-30. Review status: criteria provided, single submitter. Criteria: Invitae Variant Classification Sherloc (09022015). Collection method: clinical testing. Allele origin: germline.
Comment: For these reasons, this variant has been classified as Pathogenic. ClinVar contains an entry for this variant (Variation ID: 49852). This premature translational stop signal has been observed in individual(s) with tuberous sclerosis complex (PMID: 15595939). This variant is not present in population databases (gnomAD no frequency). This sequence change creates a premature translational stop signal (p.Tyr1678*) in the TSC2 gene. It is expected to result in an absent or disrupted protein product. Loss-of-function variants in TSC2 are known to be pathogenic (PMID: 10205261, 17304050).

Tuberous sclerosis database (TSC2)
No classification provided. Condition: TSC. Review status: no classification provided. Criteria: Tuberous Sclerosis Database Assertion Criteria 2015. Collection method: curation. Allele origin: germline. Affected: yes. Not counted in ClinVar's aggregate classification.

Literature cited by the submitters: PubMed 15595939 (cited by Labcorp Genetics (formerly Invitae), Labcorp); PubMed 10205261 (cited by Labcorp Genetics (formerly Invitae), Labcorp); PubMed 17304050 (cited by Labcorp Genetics (formerly Invitae), Labcorp).

NM_000548.5(TSC2):c.5034C>G (p.Tyr1678Ter)

Gene: TSC2 (TSC complex subunit 2; plus strand). Cytogenetic location: 16p13.3.
Variant type: single nucleotide variant.
Coding change: c.5034C>G on transcript NM_000548.5 (MANE Select); coding-DNA position 5034, C replaced by G.
Protein change: p.Tyr1678Ter; replaces tyrosine 1678 with a stop codon.
Molecular consequence: nonsense.
Genome position (GRCh38, 1-based): chr16:2,087,907, C>G. VCF-style: chr16-2087907-C-G. GRCh37 (hg19) VCF-style: chr16-2137908-C-G.
Other names: c.4833C>G, p.Tyr1611Ter (NM_001077183.3); c.4965C>G, p.Tyr1655Ter (NM_001114382.3); c.4725C>G, p.Tyr1575Ter (NM_001318827.2); c.4689C>G, p.Tyr1563Ter (NM_001318829.2); c.4302C>G, p.Tyr1434Ter (NM_001318831.2); c.4866C>G, p.Tyr1622Ter (NM_001318832.2); c.4836C>G, p.Tyr1612Ter (NM_001363528.2); c.4902C>G, p.Tyr1634Ter (NM_001370404.1); and 1 more; short protein forms Y1678*, Y1575*, Y1612*, Y1634*, Y1434*, Y1563*, Y1622*, Y1611*.
Identifiers: ClinVar variation 49852 (VCV000049852.8), dbSNP rs45467993, ClinGen allele CA021563.